The following is an entry in ClinVar:

NM_014991.6(WDFY3):c.6535A>G (p.Ile2179Val)

Gene: WDFY3 (WD repeat and FYVE domain containing 3; minus strand). Cytogenetic location: 4q21.23.
Variant type: single nucleotide variant.
Coding change: c.6535A>G on transcript NM_014991.6 (MANE Select); coding-DNA position 6535, A replaced by G.
Protein change: p.Ile2179Val; replaces isoleucine 2179 with valine.
Molecular consequence: missense variant.
Genome position (GRCh38, 1-based): chr4:84,739,049, T>C on the plus strand (A>G on the coding strand, the complement: WDFY3 is on the minus strand). VCF-style: chr4-84739049-T-C. GRCh37 (hg19) VCF-style: chr4-85660202-T-C.
Other names: short protein forms I2179V.
Identifiers: ClinVar variation 3253313 (VCV003253313.2), dbSNP rs1737960023.
Genomic context (GRCh38, chr4:84,739,049, plus strand): 5'-ATCCCAAGTCAAGGCAATTACCTTCACTAATATCTTGGCTGTAACTACCATCTGGTTCAA[T>C]GTCCGAGGGGATCATAATGTGCCATGTGGTCATGCGGGCTTCTGCTTCCAGTCCAAATCC-3'
Protein context (NP_055806.2, residues 2169-2189): TTWHIMIPSD[Ile2179Val]EPDGSYSQDI

ClinVar aggregate classification (germline): Uncertain significance (1 of 4 stars; one submission).

Allele frequency attached by ClinVar (database versions not stated): gnomAD exomes below 0.00001.
gnomAD v4.1: 2 of 1,614,174 alleles (0.00012%); highest among the groups gnomAD compares: Non-Finnish European, 0.00017%; no homozygotes.

Submission:

GeneDx
Classification: Uncertain significance. Last evaluated: 2025-09-17. Review status: criteria provided, single submitter. Criteria: GeneDx Variant Classification Process June 2021. Collection method: clinical testing. Allele origin: germline.
Comment: Not observed at significant frequency in large population cohorts (gnomAD); In silico analysis suggests that this missense variant does not alter protein structure/function; Has not been previously published as pathogenic or benign to our knowledge